The following is an entry in ClinVar:

NM_000059.4(BRCA2):c.1355T>A (p.Leu452Gln)

Gene: BRCA2 (BRCA2 DNA repair associated; plus strand). Cytogenetic location: 13q13.1.
Variant type: single nucleotide variant.
Coding change: c.1355T>A on transcript NM_000059.4 (MANE Select); coding-DNA position 1355, T replaced by A.
Protein change: p.Leu452Gln; replaces leucine 452 with glutamine.
Molecular consequence: missense variant.
Genome position (GRCh38, 1-based): chr13:32,332,833, T>A. VCF-style: chr13-32332833-T-A. GRCh37 (hg19) VCF-style: chr13-32906970-T-A.
Other names: c.1355T>A, p.Leu452Gln (NM_001406719.1, NM_001406720.1, NM_001406721.1); short protein forms L452Q.
Identifiers: ClinVar variation 1770693 (VCV001770693.4), dbSNP rs753512842, ClinGen allele CA387762800.

ClinVar aggregate classification (germline): Conflicting classifications of pathogenicity. Review status: criteria provided, conflicting classifications (1 of 4 stars). 2 submissions from 2 submitters: Uncertain significance (1); Likely benign (1). Last evaluated 2023-03-23.

Conditions:
Hereditary cancer-predisposing syndrome. Also called: Hereditary Cancer Syndrome; Hereditary neoplastic syndrome; Neoplastic Syndromes, Hereditary; Tumor predisposition. Identifiers: Orphanet 140162, MedGen C0027672, MeSH D009386, MONDO:0015356.

Submissions (2):

University of Washington Department of Laboratory Medicine, University of Washington
Classification: Likely benign for Hereditary cancer-predisposing syndrome. Last evaluated: 2023-03-23. Review status: criteria provided, single submitter. Criteria: Dines et al. (Genet Med. 2020). Collection method: curation. Allele origin: germline.
Comment: Missense variant in a coldspot region where missense variants are very unlikely to be pathogenic (PMID:31911673).

BRCA2 exon 10 coldspot. Reclassification based on statistical prior probability.

Ambry Genetics
Classification: Uncertain significance for Hereditary cancer-predisposing syndrome. Last evaluated: 2020-09-22. Review status: criteria provided, single submitter. Criteria: Ambry Variant Classification Scheme 2023. Collection method: clinical testing. Allele origin: germline.
Comment: The p.L452Q variant (also known as c.1355T>A), located in coding exon 9 of the BRCA2 gene, results from a T to A substitution at nucleotide position 1355. The leucine at codon 452 is replaced by glutamine, an amino acid with dissimilar properties. This amino acid position is not well conserved in available vertebrate species. In addition, this alteration is predicted to be tolerated by in silico analysis. Since supporting evidence is limited at this time, the clinical significance of this alteration remains unclear.